The following is an entry in ClinVar:

NM_004991.4(MECOM):c.3712C>T (p.His1238Tyr)

Gene: MECOM (MDS1 and EVI1 complex locus; minus strand). Cytogenetic location: 3q26.2.
Variant type: single nucleotide variant.
Coding change: c.3712C>T on transcript NM_004991.4 (MANE Select); coding-DNA position 3712, C replaced by T.
Protein change: p.His1238Tyr; replaces histidine 1238 with tyrosine.
Molecular consequence: missense variant.
Genome position (GRCh38, 1-based): chr3:169,084,917, G>A on the plus strand (C>T on the coding strand, the complement: MECOM is on the minus strand). VCF-style: chr3-169084917-G-A. GRCh37 (hg19) VCF-style: chr3-168802705-G-A.
Other names: c.3685C>T, p.His1229Tyr (NM_001366466.2); c.3151C>T, p.His1051Tyr (NM_001366467.2, NM_001366468.2); c.3148C>T, p.His1050Tyr (NM_001366469.2, NM_005241.4, NM_001105078.4 and 1 more transcripts); c.3124C>T, p.His1042Tyr (NM_001366470.2, NM_001163999.2); c.3121C>T, p.His1041Tyr (NM_001366471.2, NM_001366472.2, NM_001164000.2); c.2713C>T, p.His905Tyr (NM_001366473.2); c.2149C>T, p.His717Tyr (NM_001366474.2); c.3343C>T, p.His1115Tyr (NM_001105077.4); short protein forms H1041Y, H905Y, H1042Y, H1050Y, H1238Y, H1051Y, H1115Y, H1229Y.
Identifiers: ClinVar variation 4624728 (VCV004624728.1).

ClinVar aggregate classification (germline): Uncertain significance (1 of 4 stars; one submission).

Conditions:
Inborn genetic diseases. Identifiers: MedGen C0950123, MeSH D030342.

Submission:

Ambry Genetics
Classification: Uncertain significance for Inborn genetic diseases. Last evaluated: 2025-12-02. Review status: criteria provided, single submitter. Criteria: Ambry Variant Classification Scheme 2023. Collection method: clinical testing. Allele origin: germline.
Comment: The p.H1238Y variant (also known as c.3712C>T), located in coding exon 17 of the MECOM gene, results from a C to T substitution at nucleotide position 3712. The histidine at codon 1238 is replaced by tyrosine, an amino acid with similar properties. This amino acid position is conserved. In addition, the in silico prediction for this alteration is inconclusive. Based on the available evidence, the clinical significance of this variant remains unclear.